The following is an entry in ClinVar:

NM_000440.3(PDE6A):c.998+11C>T

Gene: PDE6A (phosphodiesterase 6A; minus strand). Cytogenetic location: 5q32.
Variant type: single nucleotide variant.
Coding change: c.998+11C>T on transcript NM_000440.3 (MANE Select); 11 bases into the intron after coding-DNA position 998, C replaced by T.
Molecular consequence: intron variant.
Genome position (GRCh38, 1-based): chr5:149,914,932, G>A on the plus strand (C>T on the coding strand, the complement: PDE6A is on the minus strand). VCF-style: chr5-149914932-G-A. GRCh37 (hg19) VCF-style: chr5-149294495-G-A.
Identifiers: ClinVar variation 167434 (VCV000167434.18), dbSNP rs75319698, ClinGen allele CA180273.
Genomic context (GRCh38, chr5:149,914,932, plus strand): 5'-TCACCGATAAAGCCAATTGAGATCTTTAAGCTAATTTGTTGTCATTTTGTCTTTTGACAG[G>A]TGAAACTTACGGGATGACTTTGATGTCCTCTTTGCCATGCAGGATGTAGTCAATGACCTT-3'

ClinVar aggregate classification (germline): Benign/Likely benign. Review status: criteria provided, multiple submitters, no conflicts (2 of 4 stars). 4 submissions from 4 submitters: Benign (2); Likely benign (2). Last evaluated 2026-02-03.

Conditions:
Retinitis pigmentosa (RP). Identifiers: Orphanet 791, MedGen C0035334, MeSH D012174, MONDO:0019200, OMIM 268000. Inheritance: Autosomal dominant, autosomal recessive and X linked inheritance.

Allele frequency attached by ClinVar (database versions not stated): gnomAD exomes 0.00152 and 0.00405; ExAC 0.00505; gnomAD 0.01629 and 0.01758; 1000 Genomes Project 0.01637; ESP Exome Variant Server 0.01653; 1000 Genomes Project 30x 0.01843; TOPMed 0.01895.
gnomAD v4.1: 4,730 of 1,589,538 alleles (0.3%); highest among the groups gnomAD compares: African/African-American, 5.6%; 145 homozygotes.

Submissions (4):

Labcorp Genetics (formerly Invitae), Labcorp
Classification: Benign. Last evaluated: 2026-02-03. Review status: criteria provided, single submitter. Criteria: Invitae Variant Classification Sherloc (09022015). Collection method: clinical testing. Allele origin: germline.

Illumina Laboratory Services, Illumina
Classification: Likely benign for Retinitis pigmentosa. Last evaluated: 2018-01-12. Review status: criteria provided, single submitter. Criteria: ICSL Variant Classification Criteria 13 December 2019. Collection method: clinical testing. Allele origin: germline.
Comment: This variant was observed in the ICSL laboratory as part of a predisposition screen in an ostensibly healthy population. It had not been previously curated by ICSL or reported in the Human Gene Mutation Database (HGMD: prior to June 1st, 2018), and was therefore a candidate for classification through an automated scoring system. Utilizing variant allele frequency, disease prevalence and penetrance estimates, and inheritance mode, an automated score was calculated to assess if this variant is too frequent to cause the disease. Based on the score and internal cut-off values, a variant classified as likely benign is not then subjected to further curation. The score for this variant resulted in a classification of likely benign for this disease.

Eurofins Ntd Llc (ga)
Classification: Benign. Last evaluated: 2014-04-29. Review status: criteria provided, single submitter. Criteria: EGL Classification Definitions 2015. Collection method: clinical testing. Allele origin: germline. Observed: 1 variant allele, 1 heterozygote.

Breakthrough Genomics
Classification: Likely benign. Review status: criteria provided, single submitter. Criteria: ACMG Guidelines, 2015. Collection method: not provided. Allele origin: germline. Inheritance: Unknown mechanism. Affected: yes.